The following is an entry in ClinVar:

ClinVar aggregate classification (germline): Benign/Likely benign. Review status: criteria provided, multiple submitters, no conflicts (2 of 4 stars). 6 submissions from 6 submitters: Benign (1); Likely benign (5). Last evaluated 2026-02-17.

Conditions:
Cardiovascular phenotype. Identifiers: MedGen CN230736.
Familial hypercholesterolemia. Also called: Familial hypercholesterolemias; Familial hypercholesterolaemia. Identifiers: MedGen C0020445, MONDO:0005439.
Hypercholesterolemia, autosomal dominant, 3 (FHCL3). Also called: Familial Hypercholesterolemia, Autosomal Dominant, 3; Familial hypercholesterolemia 3; PCSK9-Related Familial Hypercholesterolemia, Autosomal Dominant. Identifiers: MedGen C1863551, MONDO:0011369, OMIM 603776.
PCSK9-related disorder. Also called: PCSK9-related condition; PCSK9-related disorders.

Allele frequency attached by ClinVar (database versions not stated): ExAC 0.00016; gnomAD exomes 0.00004 and 0.00014; gnomAD 0.00005 and 0.00006; TOPMed 0.00007.
gnomAD v4.1: 68 of 1,610,718 alleles (0.0042%); highest among the groups gnomAD compares: East Asian, 0.069%; no homozygotes.

Submissions (6):

PreventionGenetics, part of Exact Sciences
Classification: Likely benign for PCSK9-related condition. Last evaluated: 2026-02-17. Review status: criteria provided, single submitter. Criteria: ACMG Guidelines, 2015. Collection method: clinical testing. Allele origin: germline.
Comment: This variant is classified as likely benign based on ACMG/AMP sequence variant interpretation guidelines (Richards et al. 2015 PMID: 25741868, with internal and published modifications).

Labcorp Genetics (formerly Invitae), Labcorp
Classification: Likely benign for Hypercholesterolemia, autosomal dominant, 3. Last evaluated: 2025-10-09. Review status: criteria provided, single submitter. Criteria: Invitae Variant Classification Sherloc (09022015). Collection method: clinical testing. Allele origin: germline.

Ambry Genetics
Classification: Benign for Cardiovascular phenotype. Last evaluated: 2024-04-09. Review status: criteria provided, single submitter. Criteria: Ambry Variant Classification Scheme 2023. Collection method: clinical testing. Allele origin: germline.

Blueprint Genetics
Classification: Likely benign. Last evaluated: 2022-03-11. Review status: criteria provided, single submitter. Criteria: ACMG Guidelines, 2015. Collection method: clinical testing. Allele origin: germline.

Color Diagnostics, LLC DBA Color Health
Classification: Likely benign for Familial hypercholesterolemia. Last evaluated: 2022-01-27. Review status: criteria provided, single submitter. Criteria: ACMG Guidelines, 2015. Collection method: clinical testing. Allele origin: germline.

Women's Health and Genetics/Laboratory Corporation of America, LabCorp
Classification: Likely benign. Last evaluated: 2017-12-22. Review status: criteria provided, single submitter. Criteria: LabCorp Variant Classification Summary - May 2015. Collection method: clinical testing. Allele origin: germline.
Comment: Variant summary: The PCSK9 c.1727C>T (p.Pro576Leu) variant involves the alteration of a non-conserved nucleotide that is not located within a known functional domain (InterPro). 3/4 in silico tools predict a benign outcome for this variant (SNPsandGO not captured due to low reliability index). This variant was found in 39/268808 control chromosomes, predominantly observed in the East Asian subpopulation at a frequency of 0.001243 (23/18510). This frequency is about 13 times the estimated maximal expected allele frequency of a pathogenic PCSK9 variant (0.0000938), suggesting this is likely a benign polymorphism found primarily in the populations of East Asian origin. The variant has been reported in the literature in patients with familial hypercholesterolemia without strong evidence for pathogenicity. Taken together, this variant is classified as likely benign.

Literature cited by the submitters: PubMed 25412415 (cited by Women's Health and Genetics/Laboratory Corporation of America, LabCorp); PubMed 20538126 (cited by Women's Health and Genetics/Laboratory Corporation of America, LabCorp); PubMed 27516387 (cited by Women's Health and Genetics/Laboratory Corporation of America, LabCorp).

NM_174936.4(PCSK9):c.1727C>T (p.Pro576Leu)

Gene: PCSK9 (proprotein convertase subtilisin/kexin type 9; plus strand). Cytogenetic location: 1p32.3.
Variant type: single nucleotide variant.
Coding change: c.1727C>T on transcript NM_174936.4 (MANE Select); coding-DNA position 1727, C replaced by T.
Protein change: p.Pro576Leu; replaces proline 576 with leucine.
Molecular consequence: missense variant.
Genome position (GRCh38, 1-based): chr1:55,061,420, C>T. VCF-style: chr1-55061420-C-T. GRCh37 (hg19) VCF-style: chr1-55527093-C-T.
Other names: c.1850C>T, p.Pro617Leu (NM_001407240.1); c.1769C>T, p.Pro590Leu (NM_001407241.1); c.1730C>T, p.Pro577Leu (NM_001407242.1); c.1670C>T, p.Pro557Leu (NM_001407243.1); c.1553C>T, p.Pro518Leu (NM_001407244.1); c.1535C>T, p.Pro512Leu (NM_001407245.1); c.1352C>T, p.Pro451Leu (NM_001407246.1); c.1226C>T, p.Pro409Leu (NM_001407247.1); short protein forms P576L, P512L, P577L, P409L, P518L, P557L, P451L, P617L.
Identifiers: ClinVar variation 630598 (VCV000630598.23), dbSNP rs72646525, ClinGen allele CA038642.